The following is an entry in ClinVar:

ClinVar aggregate classification (germline): Uncertain significance. Review status: criteria provided, multiple submitters, no conflicts (2 of 4 stars). 3 submissions from 3 submitters: Uncertain significance (3). Last evaluated 2026-08-25.

Conditions:
IFT172-related disorder. Also called: IFT172-related condition; IFT172-related disorders.
Retinitis pigmentosa 71 (RP71). Identifiers: Orphanet 791, MedGen C4225342, MONDO:0014618, OMIM 616394.
Short-rib thoracic dysplasia 10 with or without polydactyly (SRTD10). Identifiers: Orphanet 474, MedGen C3810175, MONDO:0014284, OMIM 615630.
Bardet-Biedl syndrome 20. Identifiers: MedGen C4310707, MONDO:0023670, OMIM 619471, MONDO:0014926.

Allele frequency attached by ClinVar (database versions not stated): TOPMed 0.00006; ExAC 0.00001; gnomAD exomes 0.00001.
gnomAD v4.1: 2 of 1,613,594 alleles (0.00012%); highest among the groups gnomAD compares: Admixed American, 0.0033%; no homozygotes.

Submissions (3):

PreventionGenetics, part of Exact Sciences
Classification: Uncertain significance for IFT172-related condition. Last evaluated: 2026-08-25. Review status: criteria provided, single submitter. Criteria: ACMG Guidelines, 2015. Collection method: clinical testing. Allele origin: germline.
Comment: The IFT172 c.5182C>A variant is predicted to result in the amino acid substitution p.Gln1728Lys. To our knowledge, this variant has not been reported in the literature. This variant is reported in 0.0058% of alleles in individuals of Latino descent in gnomAD. At this time, the clinical significance of this variant is uncertain due to the absence of conclusive functional and genetic evidence.

Fulgent Genetics
Classification: Uncertain significance for Short-rib thoracic dysplasia 10 with or without polydactyly; Retinitis pigmentosa 71; Bardet-Biedl syndrome 20. Last evaluated: 2024-02-19. Review status: criteria provided, single submitter. Criteria: ACMG Guidelines, 2015. Collection method: clinical testing. Allele origin: germline.

Labcorp Genetics (formerly Invitae), Labcorp
Classification: Uncertain significance for Retinitis pigmentosa 71; Short-rib thoracic dysplasia 10 with or without polydactyly. Last evaluated: 2020-07-13. Review status: criteria provided, single submitter. Criteria: Invitae Variant Classification Sherloc (09022015). Collection method: clinical testing. Allele origin: germline.
Comment: This sequence change replaces glutamine with lysine at codon 1728 of the IFT172 protein (p.Gln1728Lys). The glutamine residue is moderately conserved and there is a small physicochemical difference between glutamine and lysine. This variant is present in population databases (rs753075654, ExAC 0.009%). This variant has not been reported in the literature in individuals with IFT172-related conditions. Algorithms developed to predict the effect of missense changes on protein structure and function (SIFT, PolyPhen-2, Align-GVGD) all suggest that this variant is likely to be tolerated, but these predictions have not been confirmed by published functional studies and their clinical significance is uncertain. In summary, the available evidence is currently insufficient to determine the role of this variant in disease. Therefore, it has been classified as a Variant of Uncertain Significance.

NM_015662.3(IFT172):c.5182C>A (p.Gln1728Lys)

Genes: IFT172 (intraflagellar transport 172; minus strand), KRTCAP3 (keratinocyte associated protein 3; plus strand). Cytogenetic location: 2p23.3.
Variant type: single nucleotide variant.
Coding change: c.5182C>A on transcript NM_015662.3 (MANE Select); coding-DNA position 5182, C replaced by A.
Protein change: p.Gln1728Lys; replaces glutamine 1728 with lysine.
Molecular consequence: missense variant. On other transcripts: intron variant (1).
Genome position (GRCh38, 1-based): chr2:27,444,500, G>T on the plus strand (C>A on the coding strand, the complement: IFT172 is on the minus strand). VCF-style: chr2-27444500-G-T. GRCh37 (hg19) VCF-style: chr2-27667367-G-T.
Other names: c.5116C>A, p.Gln1706Lys (NM_001410739.1); c.*5+439G>T (NM_001168364.2); short protein forms Q1728K, Q1706K.
Identifiers: ClinVar variation 968014 (VCV000968014.11), dbSNP rs753075654, ClinGen allele CA1579319.
Genomic context (GRCh38, chr2:27,444,500, plus strand): 5'-AGGAAAAGCTGGTGCTGGGGAGCCCTCCACACCACTGACTGATGAATTTCAGCACGTCCT[G>T]GCACACTGGGCTGTGGGAGGTCTGTGAGCAAATGGAAGAACATGAGAGGAACTTGTTAAT-3'
Protein context (NP_056477.1, residues 1718-1738): AIKTSHSPVC[Gln1728Lys]DVLKFISQWC